The following is an entry in ClinVar:

NM_001409.4(MEGF6):c.3404C>T (p.Pro1135Leu)

Gene: MEGF6 (multiple EGF like domains 6; minus strand). Cytogenetic location: 1p36.32.
Variant type: single nucleotide variant.
Coding change: c.3404C>T on transcript NM_001409.4 (MANE Select); coding-DNA position 3404, C replaced by T.
Protein change: p.Pro1135Leu; replaces proline 1135 with leucine.
Molecular consequence: missense variant.
Genome position (GRCh38, 1-based): chr1:3,497,310, G>A on the plus strand (C>T on the coding strand, the complement: MEGF6 is on the minus strand). VCF-style: chr1-3497310-G-A. GRCh37 (hg19) VCF-style: chr1-3413874-G-A.
Other names: c.3089C>T, p.Pro1030Leu (NM_001410718.1); short protein forms P1030L, P1135L.
Identifiers: ClinVar variation 2638097 (VCV002638097.24), dbSNP rs202008315, ClinGen allele CA546320.

ClinVar aggregate classification (germline): Likely benign (1 of 4 stars; one submission).

Allele frequency attached by ClinVar (database versions not stated): 1000 Genomes Project 30x 0.00062; 1000 Genomes Project 0.00080; ESP Exome Variant Server 0.00112; TOPMed 0.00138; gnomAD 0.00143; ExAC 0.00152; gnomAD exomes 0.00152.
gnomAD v4.1: 2,338 of 1,551,856 alleles (0.15%); highest among the groups gnomAD compares: Admixed American, 0.2%; 7 homozygotes.

Submission:

CeGaT Center for Human Genetics Tuebingen
Classification: Likely benign. Last evaluated: 2022-08-01. Review status: criteria provided, single submitter. Criteria: CeGaT Center For Human Genetics Tuebingen Variant Classification Criteria Version 2. Collection method: clinical testing. Allele origin: germline. Affected: yes. Observed: 1 variant allele.
Comment: MEGF6: BP4